The following is an entry in ClinVar:

NM_004444.5(EPHB4):c.742C>G (p.Gln248Glu)

Gene: EPHB4 (EPH receptor B4; minus strand). Cytogenetic location: 7q22.1.
Variant type: single nucleotide variant.
Coding change: c.742C>G on transcript NM_004444.5 (MANE Select); coding-DNA position 742, C replaced by G.
Protein change: p.Gln248Glu; replaces glutamine 248 with glutamic acid.
Molecular consequence: missense variant.
Genome position (GRCh38, 1-based): chr7:100,822,337, G>C on the plus strand (C>G on the coding strand, the complement: EPHB4 is on the minus strand). VCF-style: chr7-100822337-G-C. GRCh37 (hg19) VCF-style: chr7-100419959-G-C.
Other names: short protein forms Q248E.
Identifiers: ClinVar variation 4018811 (VCV004018811.1).

ClinVar aggregate classification (germline): Uncertain significance (1 of 4 stars; one submission).

Conditions:
Cardiovascular phenotype. Identifiers: MedGen CN230736.

gnomAD v4.1: 1 of 1,568,174 alleles (0.000064%); highest among the groups gnomAD compares: Non-Finnish European, 0.000087%; no homozygotes.

Submission:

Ambry Genetics
Classification: Uncertain significance for Cardiovascular phenotype. Last evaluated: 2025-05-15. Review status: criteria provided, single submitter. Criteria: Ambry Variant Classification Scheme 2023. Collection method: clinical testing. Allele origin: germline.
Comment: The p.Q248E variant (also known as c.742C>G), located in coding exon 4 of the EPHB4 gene, results from a C to G substitution at nucleotide position 742. The glutamine at codon 248 is replaced by glutamic acid, an amino acid with highly similar properties. This amino acid position is conserved. In addition, the in silico prediction for this alteration is inconclusive. Based on the available evidence, the clinical significance of this variant remains unclear.